The following is an entry in ClinVar:

NM_003900.5(SQSTM1):c.336G>A (p.Pro112=)

Gene: SQSTM1 (sequestosome 1; plus strand). Cytogenetic location: 5q35.3.
Variant type: single nucleotide variant.
Coding change: c.336G>A on transcript NM_003900.5 (MANE Select); coding-DNA position 336, G replaced by A.
Protein change: p.Pro112=; no amino-acid change (proline 112 retained).
Molecular consequence: synonymous variant.
Genome position (GRCh38, 1-based): chr5:179,823,892, G>A. VCF-style: chr5-179823892-G-A. GRCh37 (hg19) VCF-style: chr5-179250892-G-A.
Other names: c.336G>A (NM_003900.4); c.84G>A, p.Pro28= (NM_001142298.2, NM_001142299.2).
Identifiers: ClinVar variation 2935599 (VCV002935599.7), dbSNP rs144289539, ClinGen allele CA3600477.
Genomic context (GRCh38, chr5:179,823,892, plus strand): 5'-AGCGGCTCTCTTTACCCTTCCTGTAGAGAAAAAAGAGTGCCGGCGGGACCACCGCCCACC[G>A]TGTGCTCAGGAGGCGCCCCGCAACATGGTGCACCCCAATGTGATCTGCGATGGCTGCAAT-3'
Protein context (NP_003891.1, residues 102-122): KKECRRDHRP[Pro112=]CAQEAPRNMV

ClinVar aggregate classification (germline): Likely benign. Review status: criteria provided, multiple submitters, no conflicts (2 of 4 stars). 4 submissions from 4 submitters: Likely benign (3). 1 of the submissions does not count toward it. Last evaluated 2025-10-08.

Conditions:
SQSTM1-related disorder. Also called: SQSTM1-Related Disorders.
Frontotemporal dementia and/or amyotrophic lateral sclerosis 1 (FTDALS1). Also called: C9orf72 Frontotemporal Dementia and/or Amyotrophic Lateral Sclerosis; Frontotemporal dementia with motor neuron disease 1. Identifiers: Orphanet 275872, MedGen C5779877, MONDO:0007105, OMIM 105550.
Paget disease of bone 2, early-onset (PDB2). Also called: Paget disease of bone 2. Identifiers: MedGen C4085251, MONDO:0011183, OMIM 602080.

Allele frequency attached by ClinVar (database versions not stated): gnomAD 0.00002; TOPMed 0.00003; ESP Exome Variant Server 0.00008.
gnomAD v4.1: 20 of 1,613,026 alleles (0.0012%); highest among the groups gnomAD compares: Non-Finnish European, 0.0016%; no homozygotes.

Submissions (4):

Women's Health and Genetics/Laboratory Corporation of America, LabCorp
Classification: Likely benign. Last evaluated: 2025-10-08. Review status: criteria provided, single submitter. Criteria: LabCorp Variant Classification Summary - May 2015. Collection method: clinical testing. Allele origin: germline.

Labcorp Genetics (formerly Invitae), Labcorp
Classification: Likely benign for Paget disease of bone 2, early-onset; Frontotemporal dementia and/or amyotrophic lateral sclerosis 1. Last evaluated: 2024-11-28. Review status: criteria provided, single submitter. Criteria: Invitae Variant Classification Sherloc (09022015). Collection method: clinical testing. Allele origin: germline.

Blueprint Genetics
Classification: Likely benign. Last evaluated: 2023-11-16. Review status: criteria provided, single submitter. Criteria: ACMG Guidelines, 2015. Collection method: clinical testing. Allele origin: germline.

PreventionGenetics, part of Exact Sciences
Classification: Likely benign for SQSTM1-related condition. Last evaluated: 2019-04-02. Review status: no assertion criteria provided. Collection method: clinical testing. Allele origin: germline. Not counted in ClinVar's aggregate classification.
Comment: This variant is classified as likely benign based on ACMG/AMP sequence variant interpretation guidelines (Richards et al. 2015 PMID: 25741868, with internal and published modifications).